The following is an entry in ClinVar:

ClinVar aggregate classification (germline): Likely benign. Review status: reviewed by expert panel (3 of 4 stars). 4 submissions from 4 submitters: Likely benign (1). 3 of the submissions do not count toward it. Last evaluated 2025-05-19.

Conditions:
Juvenile retinoschisis (RS1). Also called: X-Linked Juvenile Retinoschisis; X-linked retinoschisis. Identifiers: Orphanet 792, MedGen C3714753, MONDO:0010725, OMIM 312700.

Allele frequency attached by ClinVar (database versions not stated): ExAC 0.00002; gnomAD exomes 0.00001; TOPMed 0.00001.
gnomAD v4.1: 8 of 1,211,518 alleles (0.00066%); highest among the groups gnomAD compares: East Asian, 0.0089%; no homozygotes.

Submissions (4):

ClinGen X-linked Inherited Retinal Disease Variant Curation Expert Panel, ClinGen
Classification: Likely benign for Juvenile retinoschisis. Last evaluated: 2025-05-19. Review status: reviewed by expert panel. Criteria: ClinGen X LinkedIRD ACMG Specifications RS1 V1.0.0. Collection method: curation. Allele origin: germline. Inheritance: X-linked inheritance.
Comment: The NM_000330.4(RS1):c.472G>A variant is a missense variant encoding the substitution of Aspartic acid with Asparagine at amino acid 158. This variant is present in gnomAD v.4.1.0 at a frequency of 0.000005012 among hemizygous individuals, with 2 variant alleles / 399058 total hemizygous alleles, which is between the ClinGen X-linked IRD VCEP PM2_Supporting and BS1 thresholds of <0.000002 and >0.00002 and fails to meet these criteria. The computational predictor REVEL gives a score of 0.395, which is between the ClinGen X-linked IRD VCEP thresholds of >0.664 and <0.290 and does not predict a damaging effect on RS1 function. Additionally, the splicing impact predictor SpliceAI gives a score of 0.00, which is below the ClinGen X-linked IRD VCEP recommended threshold of ≥0.2 and does not strongly predict an impact on splicing. Collectively, the BP4 and PP3 codes do not apply. EBNA293 cells exogenously expressing the variant exhibit no loss of RS1 secretion into the medium relative to the wild-type control (PMID: 17525175). Additionally, molecular modeling studies have predicted this change to have a mild effect (DOI: 10.5772/24453). However, the BS3 code is not considered applicable for RS1, so BS3_Supporting is not met. This variant has also been reported as a polymorphism present in a healthy control individual (PMID: 9618178, PMID: 10703138, BS2). In summary, this variant is classified as likely benign for X-linked retinoschisis based on the ClinGen X-linked Inherited Retinal Disease Expert Panel Specifications to the ACMG/AMP Variant Interpretation Guidelines for RS1 Version 1.0.0: BS2 (date of approval 01/024/2025).

Labcorp Genetics (formerly Invitae), Labcorp
Classification: Likely benign. Last evaluated: 2024-12-10. Review status: criteria provided, single submitter. Criteria: Invitae Variant Classification Sherloc (09022015). Collection method: clinical testing. Allele origin: germline. Not counted in ClinVar's aggregate classification.

Blueprint Genetics
Classification: Uncertain significance. Last evaluated: 2022-09-16. Review status: criteria provided, single submitter. Criteria: ACMG Guidelines, 2015. Collection method: clinical testing. Allele origin: germline. Not counted in ClinVar's aggregate classification.

Retina International
No classification provided. Review status: no classification provided. Collection method: not provided. Allele origin: unknown. Not counted in ClinVar's aggregate classification.

NM_000330.4(RS1):c.472G>A (p.Asp158Asn)

Genes: CDKL5 (cyclin dependent kinase like 5; plus strand), RS1 (retinoschisin 1; minus strand). Cytogenetic location: Xp22.13.
Variant type: single nucleotide variant.
Coding change: c.472G>A on transcript NM_000330.4 (MANE Select); coding-DNA position 472, G replaced by A.
Protein change: p.Asp158Asn; replaces aspartic acid 158 with asparagine.
Molecular consequence: missense variant. On other transcripts: intron variant (2).
Genome position (GRCh38, 1-based): chrX:18,644,480, C>T on the plus strand (G>A on the coding strand, the complement: RS1 is on the minus strand). VCF-style: chrX-18644480-C-T. GRCh37 (hg19) VCF-style: chrX-18662600-C-T.
Other names: NM_000330.4(RS1):c.472G>A; c.2714-1527C>T (NM_003159.3, NM_001037343.2); short protein forms D158N.
Identifiers: ClinVar variation 98969 (VCV000098969.13), dbSNP rs1800002, ClinGen allele CA226749.